The following is an entry in ClinVar:

GRCh38/hg38 8q21.3(chr8:86734484-87280161)x1

Genes: CNBD1 (cyclic nucleotide binding domain containing 1; plus strand), CNGB3 (cyclic nucleotide gated channel subunit beta 3; minus strand). Cytogenetic location: 8q21.3.
Variant type: copy number loss.
Change: copy number 1 (one copy instead of two) of chr8:86,734,484-87,280,161 (545.7 kb, GRCh38 coordinates, 1-based), cytogenetic band 8q21.3.
Identifiers: ClinVar variation 148366 (VCV000148366.2).

ClinVar aggregate classification (germline): conflicting data from submitters (0 of 4 stars; one submission).

Submission:

ISCA site 1
Classification: conflicting data from submitters. Last evaluated: 2012-06-01. Review status: no assertion criteria provided. Collection method: clinical testing. Allele origin: maternal, unknown. Affected: yes. Observed: 2 variant alleles.
Comment: Uncertain significance(1), Likely benign (1)

Copy number variation identified through the course of routine clinical cytogenomic testing in postnatal populations, with clinical assertions as classified by the original submitter. For data from the original published study, Kaminsky, et al. 2011 (PubMed 21844811), please see nstd101.